The following is an entry in ClinVar:

ClinVar aggregate classification (germline): Uncertain significance. Review status: criteria provided, multiple submitters, no conflicts (2 of 4 stars). 2 submissions from 2 submitters: Uncertain significance (2). Last evaluated 2023-06-07.

Allele frequency attached by ClinVar (database versions not stated): gnomAD 0.00001.
gnomAD v4.1: 1 of 1,166,315 alleles (0.000086%); highest among the groups gnomAD compares: African/African-American, 0.0018%; no homozygotes.

Submissions (2):

Ambry Genetics
Classification: Uncertain significance. Last evaluated: 2023-06-07. Review status: criteria provided, single submitter. Criteria: Ambry Variant Classification Scheme 2023. Collection method: clinical testing. Allele origin: germline.

GeneDx
Classification: Uncertain significance. Last evaluated: 2023-02-02. Review status: criteria provided, single submitter. Criteria: GeneDx Variant Classification Process June 2021. Collection method: clinical testing. Allele origin: germline. Affected: yes.
Comment: Not observed at significant frequency in large population cohorts (gnomAD); In silico analysis supports that this missense variant does not alter protein structure/function; Has not been previously published as pathogenic or benign to our knowledge

NM_031206.7(LAS1L):c.2117G>A (p.Cys706Tyr)

Gene: LAS1L (LAS1 like ribosome biogenesis factor; minus strand). Cytogenetic location: Xq12.
Variant type: single nucleotide variant.
Coding change: c.2117G>A on transcript NM_031206.7 (MANE Select); coding-DNA position 2117, G replaced by A.
Protein change: p.Cys706Tyr; replaces cysteine 706 with tyrosine.
Molecular consequence: missense variant. On other transcripts: non-coding transcript variant (1).
Genome position (GRCh38, 1-based): chrX:65,512,863, C>T on the plus strand (G>A on the coding strand, the complement: LAS1L is on the minus strand). VCF-style: chrX-65512863-C-T. GRCh37 (hg19) VCF-style: chrX-64732743-C-T.
Other names: c.2066G>A, p.Cys689Tyr (NM_001170649.2); c.1940G>A, p.Cys647Tyr (NM_001170650.2); c.2114G>A, p.Cys705Tyr (NM_001375328.1); c.1160G>A, p.Cys387Tyr (NM_001375332.1); c.2063G>A, p.Cys688Tyr (NM_001375333.1); short protein forms C688Y, C647Y, C705Y, C387Y, C689Y, C706Y.
Identifiers: ClinVar variation 2552311 (VCV002552311.3), dbSNP rs1393245424, ClinGen allele CA413314255.
Genomic context (GRCh38, chrX:65,512,863, plus strand): 5'-CCATGCAGCTGCCCCTGGCTCCAGAGAAGGCCCTCGAAGTTGCTGCTGCTGCTGTTGCTG[C>T]AGTTGCCACTGCCGACACCACAGCTCAGGCCCAAGGTGCTGAGGAGAGAGTGGGAGGTCA-3'
Protein context (NP_112483.1, residues 696-716): GLSCGVGSGN[Cys706Tyr]SNSSSSNFEG